The following is an entry in ClinVar:

ClinVar aggregate classification (germline): Pathogenic (1 of 4 stars; one submission).

Conditions:
Van der Woude syndrome. Identifiers: Orphanet 888, MedGen C0175697, MONDO:0019508.

Submission:

Genetics Laboratory, Great Ormond Street Hospital NHS Foundation Trust, North Thames Genomic Laboratory Hub
Classification: Pathogenic for Van der Woude syndrome. Last evaluated: 2026-01-30. Review status: criteria provided, single submitter. Criteria: ACGS Best Practice Guidelines for Variant Classification in Rare Disease 2024 v1.2. Collection method: clinical testing. Allele origin: germline. Affected: yes.
Comment: PS4_moderate, PM2_moderate, PVS1_very-strong, PM6_moderate

NM_006147.4(IRF6):c.119G>A (p.Trp40Ter)

Gene: IRF6 (interferon regulatory factor 6; minus strand). Cytogenetic location: 1q32.2.
Variant type: single nucleotide variant.
Coding change: c.119G>A on transcript NM_006147.4 (MANE Select); coding-DNA position 119, G replaced by A.
Protein change: p.Trp40Ter; replaces tryptophan 40 with a stop codon.
Molecular consequence: nonsense. On other transcripts: intron variant (1).
Genome position (GRCh38, 1-based): chr1:209,801,295, C>T on the plus strand (G>A on the coding strand, the complement: IRF6 is on the minus strand). VCF-style: chr1-209801295-C-T. GRCh37 (hg19) VCF-style: chr1-209974640-C-T.
Other names: c.-112+4652G>A (NM_001206696.2); short protein forms W40*.
Identifiers: ClinVar variation 4688045 (VCV004688045.2).
Genomic context (GRCh38, chr1:209,801,295, plus strand): 5'-TTTACCTTAAAAATGGTATTTTCCTCTTCTTGTTGAGGGCTATGCCGGGTGGCATGTTTC[C>T]AGGGAATCTGGAAGCGTTTAGAGTCCCTGTGTAGCCAGATGAGCCCAGGGTAGAGGCCAC-3'